The following is an entry in ClinVar:

NM_014314.4(RIGI):c.2564G>A (p.Ser855Asn)

Gene: RIGI (RNA sensor RIG-I; minus strand). Cytogenetic location: 9p21.1.
Variant type: single nucleotide variant.
Coding change: c.2564G>A on transcript NM_014314.4 (MANE Select); coding-DNA position 2564, G replaced by A.
Protein change: p.Ser855Asn; replaces serine 855 with asparagine.
Molecular consequence: missense variant.
Genome position (GRCh38, 1-based): chr9:32,457,336, C>T on the plus strand (G>A on the coding strand, the complement: RIGI is on the minus strand). VCF-style: chr9-32457336-C-T. GRCh37 (hg19) VCF-style: chr9-32457334-C-T.
Other names: c.2558G>A, p.Ser853Asn (NM_001385907.1); c.2393G>A, p.Ser798Asn (NM_001385909.1); c.2123G>A, p.Ser708Asn (NM_001385910.1); c.1955G>A, p.Ser652Asn (NM_001385912.1); c.2549G>A, p.Ser850Asn (NM_001385913.1); c.2120G>A, p.Ser707Asn (NM_001385914.1); short protein forms S652N, S707N, S708N, S798N, S850N, S853N, S855N.
Identifiers: ClinVar variation 2790775 (VCV002790775.3), dbSNP rs747735182, ClinGen allele CA5019456.
Genomic context (GRCh38, chr9:32,457,336, plus strand): 5'-ATTCCCCAGTCATGGCTGCAGTTCTGTCGGGCACAGAATATCTTTGCTCTTTTTTCAAAA[C>T]TTGAAAACTGCTTTGGCTTGGGATGTGGTCTACTCACAAAGCATTCCTTAAAAGCATCTC-3'
Protein context (NP_055129.2, residues 845-865): RPHPKPKQFS[Ser855Asn]FEKRAKIFCA

ClinVar aggregate classification (germline): Uncertain significance (1 of 4 stars; one submission).

Allele frequency attached by ClinVar (database versions not stated): gnomAD exomes below 0.00001; ExAC 0.00001.
gnomAD v4.1: 6 of 1,614,052 alleles (0.00037%); highest among the groups gnomAD compares: Non-Finnish European, 0.00051%; no homozygotes.

Submission:

Labcorp Genetics (formerly Invitae), Labcorp
Classification: Uncertain significance. Last evaluated: 2023-03-20. Review status: criteria provided, single submitter. Criteria: Invitae Variant Classification Sherloc (09022015). Collection method: clinical testing. Allele origin: germline.
Comment: Advanced modeling of protein sequence and biophysical properties (such as structural, functional, and spatial information, amino acid conservation, physicochemical variation, residue mobility, and thermodynamic stability) performed at Invitae indicates that this missense variant is not expected to disrupt DDX58 protein function. In summary, the available evidence is currently insufficient to determine the role of this variant in disease. Therefore, it has been classified as a Variant of Uncertain Significance. This variant has not been reported in the literature in individuals affected with DDX58-related conditions. This variant is present in population databases (rs747735182, gnomAD 0.0009%). This sequence change replaces serine, which is neutral and polar, with asparagine, which is neutral and polar, at codon 855 of the DDX58 protein (p.Ser855Asn).